The following is an entry in ClinVar:

ClinVar aggregate classification (germline): Uncertain significance (1 of 4 stars; one submission).

Conditions:
Neuropathy, hereditary sensory, type 2C. Also called: Hereditary sensory and autonomic neuropathy type IIC; KIF1A-Related HSAN2 (HSAN2C). Identifiers: Orphanet 970, MedGen C3280168, MONDO:0013634, OMIM 614213.
Hereditary spastic paraplegia 30. Identifiers: Orphanet 101010, MedGen C5235139, MONDO:0012476.
Intellectual disability, autosomal dominant 9 (NESCAVS). Also called: NESCAV SYNDROME; KIF1A-Related Neurodevelopmental Disorder. Identifiers: Orphanet 662367, MedGen C5393830, MONDO:0013656, OMIM 614255.

Allele frequency attached by ClinVar (database versions not stated): gnomAD exomes below 0.00001.
gnomAD v4.1: 4 of 1,613,952 alleles (0.00025%); highest among the groups gnomAD compares: East Asian, 0.0022%; no homozygotes.

Submission:

Labcorp Genetics (formerly Invitae), Labcorp
Classification: Uncertain significance for Hereditary spastic paraplegia 30; Neuropathy, hereditary sensory, type 2C; Intellectual disability, autosomal dominant 9. Last evaluated: 2023-01-14. Review status: criteria provided, single submitter. Criteria: Invitae Variant Classification Sherloc (09022015). Collection method: clinical testing. Allele origin: germline.
Comment: In summary, the available evidence is currently insufficient to determine the role of this variant in disease. Therefore, it has been classified as a Variant of Uncertain Significance. Advanced modeling of protein sequence and biophysical properties (such as structural, functional, and spatial information, amino acid conservation, physicochemical variation, residue mobility, and thermodynamic stability) performed at Invitae indicates that this missense variant is expected to disrupt KIF1A protein function. This variant has not been reported in the literature in individuals affected with KIF1A-related conditions. This variant is present in population databases (no rsID available, gnomAD 0.006%). This sequence change replaces arginine, which is basic and polar, with histidine, which is basic and polar, at codon 370 of the KIF1A protein (p.Arg370His).

NM_001244008.2(KIF1A):c.1109G>A (p.Arg370His)

Gene: KIF1A (kinesin family member 1A; minus strand). Cytogenetic location: 2q37.3.
Variant type: single nucleotide variant.
Coding change: c.1109G>A on transcript NM_001244008.2 (MANE Select); coding-DNA position 1109, G replaced by A.
Protein change: p.Arg370His; replaces arginine 370 with histidine.
Molecular consequence: missense variant.
Genome position (GRCh38, 1-based): chr2:240,773,185, C>T on the plus strand (G>A on the coding strand, the complement: KIF1A is on the minus strand). VCF-style: chr2-240773185-C-T. GRCh37 (hg19) VCF-style: chr2-241712602-C-T.
Other names: c.1109G>A, p.Arg370His (NM_001320705.2, NM_001330289.2, NM_001330290.2 and 21 more transcripts); short protein forms R370H.
Identifiers: ClinVar variation 2930349 (VCV002930349.3), dbSNP rs1397376358, ClinGen allele CA351295449.